The following is an entry in ClinVar:

NM_001386140.1(MTTP):c.*468A>C

Gene: MTTP (microsomal triglyceride transfer protein; plus strand). Cytogenetic location: 4q23.
Variant type: single nucleotide variant.
Coding change: c.*468A>C on transcript NM_001386140.1 (MANE Select); 468 bases downstream of the stop codon, A replaced by C.
Molecular consequence: 3 prime UTR variant.
Genome position (GRCh38, 1-based): chr4:99,623,316, A>C. VCF-style: chr4-99623316-A-C. GRCh37 (hg19) VCF-style: chr4-100544473-A-C.
Other names: c.*468A>C (NM_000253.4, NM_001300785.2).
Identifiers: ClinVar variation 901833 (VCV000901833.4), dbSNP rs556582995, ClinGen allele CA102652992.
Genomic context (GRCh38, chr4:99,623,316, plus strand): 5'-GGAAAACCAAACACGTTCCCTAATCAGGAAAAAAAAAAAAAAAAAAAGTAAGACACAAAC[A>C]AACCATTTTTTTTCTCTTTTTTTGGAGTTGGGGGCCCAGGGAGAAGGGACAAGACTTTTA-3'

ClinVar aggregate classification (germline): Likely benign (1 of 4 stars; one submission).

Conditions:
Abetalipoproteinaemia (ABL). Also called: MTP DEFICIENCY; Abetalipoproteinemia; Abetalipoproteinemia neuropathy; Apolipoprotein B deficiency; Congenital betalipoprotein deficiency syndrome. Identifiers: Orphanet 14, MedGen C0000744, MONDO:0008692, OMIM 200100, HP:0008181.

Allele frequency attached by ClinVar (database versions not stated): gnomAD 0.00012 and 0.00027; TOPMed 0.00023; 1000 Genomes Project 0.00339; 1000 Genomes Project 30x 0.00375.

Submission:

Illumina Laboratory Services, Illumina
Classification: Likely benign for Abetalipoproteinaemia. Last evaluated: 2018-01-12. Review status: criteria provided, single submitter. Criteria: ICSL Variant Classification Criteria 13 December 2019. Collection method: clinical testing. Allele origin: germline.
Comment: This variant was observed in the ICSL laboratory as part of a predisposition screen in an ostensibly healthy population. It had not been previously curated by ICSL or reported in the Human Gene Mutation Database (HGMD: prior to June 1st, 2018), and was therefore a candidate for classification through an automated scoring system. Utilizing variant allele frequency, disease prevalence and penetrance estimates, and inheritance mode, an automated score was calculated to assess if this variant is too frequent to cause the disease. Based on the score and internal cut-off values, a variant classified as likely benign is not then subjected to further curation. The score for this variant resulted in a classification of likely benign for this disease.